The following is an entry in ClinVar:

ClinVar aggregate classification (germline): Uncertain significance (1 of 4 stars; one submission).

Conditions:
Catecholaminergic polymorphic ventricular tachycardia 1. Also called: VENTRICULAR TACHYCARDIA, CATECHOLAMINERGIC POLYMORPHIC, 1, WITH OR WITHOUT ATRIAL DYSFUNCTION AND/OR DILATED CARDIOMYOPATHY; RYR2-Related Catecholaminergic Polymorphic Ventricular Tachycardia; VENTRICULAR TACHYCARDIA, STRESS-INDUCED POLYMORPHIC 1. Identifiers: Orphanet 3286, MedGen C1631597, MONDO:0011484, OMIM 604772.

gnomAD v4.1: 1 of 1,601,338 alleles (0.000062%); highest among the groups gnomAD compares: Non-Finnish European, 0.000086%; no homozygotes.

Submission:

Labcorp Genetics (formerly Invitae), Labcorp
Classification: Uncertain significance for Catecholaminergic polymorphic ventricular tachycardia 1. Last evaluated: 2025-01-19. Review status: criteria provided, single submitter. Criteria: Invitae Variant Classification Sherloc (09022015). Collection method: clinical testing. Allele origin: germline.
Comment: This sequence change replaces aspartic acid, which is acidic and polar, with glycine, which is neutral and non-polar, at codon 378 of the CASQ2 protein (p.Asp378Gly). This variant is not present in population databases (gnomAD no frequency). This variant has not been reported in the literature in individuals affected with CASQ2-related conditions. Invitae Evidence Modeling of protein sequence and biophysical properties (such as structural, functional, and spatial information, amino acid conservation, physicochemical variation, residue mobility, and thermodynamic stability) indicates that this missense variant is not expected to disrupt CASQ2 protein function with a negative predictive value of 95%. Algorithms developed to predict the effect of sequence changes on RNA splicing suggest that this variant may create or strengthen a splice site. In summary, the available evidence is currently insufficient to determine the role of this variant in disease. Therefore, it has been classified as a Variant of Uncertain Significance.

NM_001232.4(CASQ2):c.1133A>G (p.Asp378Gly)

Gene: CASQ2 (calsequestrin 2; minus strand). Cytogenetic location: 1p13.1.
Variant type: single nucleotide variant.
Coding change: c.1133A>G on transcript NM_001232.4 (MANE Select); coding-DNA position 1133, A replaced by G.
Protein change: p.Asp378Gly; replaces aspartic acid 378 with glycine.
Molecular consequence: missense variant.
Genome position (GRCh38, 1-based): chr1:115,701,308, T>C on the plus strand (A>G on the coding strand, the complement: CASQ2 is on the minus strand). VCF-style: chr1-115701308-T-C. GRCh37 (hg19) VCF-style: chr1-116243929-T-C.
Other names: short protein forms D378G.
Identifiers: ClinVar variation 3664584 (VCV003664584.2).